The following is an entry in ClinVar:

ClinVar aggregate classification (germline): Benign/Likely benign. Review status: criteria provided, multiple submitters, no conflicts (2 of 4 stars). 5 submissions from 5 submitters: Benign (1); Likely benign (4). Last evaluated 2026-04-20.

Conditions:
DICER1-related tumor predisposition. Also called: DICER1 syndrome; DICER1-related pleuropulmonary blastoma cancer predisposition syndrome. Identifiers: Orphanet 284343, MedGen C3839822, MONDO:0100216.
Hereditary cancer-predisposing syndrome. Also called: Tumor predisposition; Hereditary neoplastic syndrome; Hereditary Cancer Syndrome; Neoplastic Syndromes, Hereditary. Identifiers: Orphanet 140162, MedGen C0027672, MeSH D009386, MONDO:0015356.
Pleuropulmonary blastoma (PPB). Identifiers: Orphanet 64742, MedGen C1266144, MONDO:0011014, OMIM 601200, HP:0100528.

Allele frequency attached by ClinVar (database versions not stated): gnomAD below 0.00001 and 0.00005; gnomAD exomes 0.00004 and 0.00011; ExAC 0.00011; 1000 Genomes Project 30x 0.00031; 1000 Genomes Project 0.00040.
gnomAD v4.1: 75 of 1,614,186 alleles (0.0046%); highest among the groups gnomAD compares: South Asian, 0.075%; no homozygotes.

Submissions (5):

Myriad Genetics, Inc.
Classification: Benign for DICER1-related tumor predisposition. Last evaluated: 2026-04-20. Review status: criteria provided, single submitter. Criteria: Myriad Autosomal Dominant, Autosomal Recessive and X-Linked Classification Criteria (2023). Collection method: clinical testing. Allele origin: unknown.
Comment: This variant is considered benign. This variant is a silent/synonymous amino acid change and it is not expected to impact splicing.

Labcorp Genetics (formerly Invitae), Labcorp
Classification: Likely benign for DICER1-related tumor predisposition. Last evaluated: 2025-12-22. Review status: criteria provided, single submitter. Criteria: Invitae Variant Classification Sherloc (09022015). Collection method: clinical testing. Allele origin: germline.

CeGaT Center for Human Genetics Tuebingen
Classification: Likely benign. Last evaluated: 2025-04-01. Review status: criteria provided, single submitter. Criteria: CeGaT Center For Human Genetics Tuebingen Variant Classification Criteria Version 2. Collection method: clinical testing. Allele origin: germline. Affected: yes. Observed: 2 variant alleles.
Comment: DICER1: BP4, BP7

KCCC/NGS Laboratory, Kuwait Cancer Control Center
Classification: Likely benign for Pleuropulmonary blastoma. Last evaluated: 2023-07-07. Review status: criteria provided, single submitter. Criteria: ACMG Guidelines, 2015. Collection method: clinical testing. Allele origin: germline. Affected: yes.

Ambry Genetics
Classification: Likely benign for Hereditary cancer-predisposing syndrome. Last evaluated: 2018-09-11. Review status: criteria provided, single submitter. Criteria: Ambry Variant Classification Scheme 2023. Collection method: clinical testing. Allele origin: germline.

NM_177438.3(DICER1):c.4807C>T (p.Leu1603=)

Gene: DICER1 (dicer 1, ribonuclease III; minus strand). Cytogenetic location: 14q32.13.
Variant type: single nucleotide variant.
Coding change: c.4807C>T on transcript NM_177438.3 (MANE Select); coding-DNA position 4807, C replaced by T.
Protein change: p.Leu1603=; no amino-acid change (leucine 1603 retained).
Molecular consequence: synonymous variant.
Genome position (GRCh38, 1-based): chr14:95,096,113, G>A on the plus strand (C>T on the coding strand, the complement: DICER1 is on the minus strand). VCF-style: chr14-95096113-G-A. GRCh37 (hg19) VCF-style: chr14-95562450-G-A.
Other names: c.4807C>T, p.Leu1603= (NM_001195573.1, NM_001271282.3, NM_001291628.2 and 1 more transcripts).
Identifiers: ClinVar variation 417121 (VCV000417121.26), dbSNP rs201320420, ClinGen allele CA7330793.